The following is an entry in ClinVar:

NM_003070.5(SMARCA2):c.4067C>T (p.Pro1356Leu)

Gene: SMARCA2 (SWI/SNF related BAF chromatin remodeling complex subunit ATPase 2; plus strand). Cytogenetic location: 9p24.3.
Variant type: single nucleotide variant.
Coding change: c.4067C>T on transcript NM_003070.5 (MANE Select); coding-DNA position 4067, C replaced by T.
Protein change: p.Pro1356Leu; replaces proline 1356 with leucine.
Molecular consequence: missense variant.
Genome position (GRCh38, 1-based): chr9:2,161,771, C>T. VCF-style: chr9-2161771-C-T. GRCh37 (hg19) VCF-style: chr9-2161771-C-T.
Other names: c.4067C>T, p.Pro1356Leu (NM_001289396.2, NM_139045.4); c.3893C>T, p.Pro1298Leu (NM_001289397.2); c.95C>T, p.Pro32Leu (NM_001289398.2); c.179C>T, p.Pro60Leu (NM_001289399.2); c.185C>T, p.Pro62Leu (NM_001289400.2); short protein forms P1356L, P32L, P1298L, P60L, P62L.
Identifiers: ClinVar variation 1957218 (VCV001957218.5), dbSNP rs138891880, ClinGen allele CA4964002.
Genomic context (GRCh38, chr9:2,161,771, plus strand): 5'-AAATGGAAGAGGAAGTACGGCTTAAGAAGCGAAAAAGACGAAGAAATGTGGATAAAGATC[C>T]TGCAAAAGAAGATGTGGAAAAAGCTAAGAAGAGAAGAGGCCGCCCTCCCGCTGAGAAACT-3'
Protein context (NP_003061.3, residues 1346-1366): RKRRRNVDKD[Pro1356Leu]AKEDVEKAKK

ClinVar aggregate classification (germline): Uncertain significance (1 of 4 stars; one submission).

Allele frequency attached by ClinVar (database versions not stated): ExAC 0.00002; gnomAD 0.00002; TOPMed 0.00002; ESP Exome Variant Server 0.00008.
gnomAD v4.1: 5 of 1,613,840 alleles (0.00031%); highest among the groups gnomAD compares: Admixed American, 0.0033%; no homozygotes.

Submission:

Labcorp Genetics (formerly Invitae), Labcorp
Classification: Uncertain significance. Last evaluated: 2024-02-26. Review status: criteria provided, single submitter. Criteria: Invitae Variant Classification Sherloc (09022015). Collection method: clinical testing. Allele origin: germline.
Comment: This sequence change replaces proline, which is neutral and non-polar, with leucine, which is neutral and non-polar, at codon 1356 of the SMARCA2 protein (p.Pro1356Leu). This variant is present in population databases (rs138891880, gnomAD 0.003%). This variant has not been reported in the literature in individuals affected with SMARCA2-related conditions. ClinVar contains an entry for this variant (Variation ID: 1957218). Advanced modeling of protein sequence and biophysical properties (such as structural, functional, and spatial information, amino acid conservation, physicochemical variation, residue mobility, and thermodynamic stability) performed at Invitae indicates that this missense variant is not expected to disrupt SMARCA2 protein function with a negative predictive value of 80%. In summary, the available evidence is currently insufficient to determine the role of this variant in disease. Therefore, it has been classified as a Variant of Uncertain Significance.